The following is an entry in ClinVar:

NM_001199107.2(TBC1D24):c.1488del (p.Met497fs)

Gene: TBC1D24 (TBC1 domain family member 24; plus strand). Cytogenetic location: 16p13.3.
Variant type: Deletion.
Coding change: c.1488del on transcript NM_001199107.2 (MANE Select); coding-DNA position 1488, one base deleted (C; older notation c.1488delC).
Protein change: p.Met497fs; shifts the reading frame from methionine 497.
Molecular consequence: frameshift variant.
Genome position (GRCh38, 1-based): chr16:2,500,453, C deleted; the last of 2 consecutive C bases (chr16:2,500,452-2,500,453); deleting either gives the same sequence. VCF-style (leftmost placement, unchanged base first): chr16-2500451-TC-T. GRCh37 (hg19) VCF-style: chr16-2550452-TC-T.
Other names: c.1470del, p.Met491fs (NM_020705.3); short protein forms M491fs, M497fs.
Identifiers: ClinVar variation 2121170 (VCV002121170.4), dbSNP rs2065783220, ClinGen allele CA973807807.
Genomic context (GRCh38, chr16:2,500,451, plus strand): 5'-GCTGACCGCCTCTCGCCCTTCCTGGCCGCTCGCCACTTCAACCTGCCCTCCAAGACCGAG[TC>T]CATGTTCATGGCGGGGGGCAGCGACTGCCTCATCGTCGGTGAGCGCCAGCAGACGGGGCT-3'

ClinVar aggregate classification (germline): Pathogenic (1 of 4 stars; one submission).

Conditions:
Developmental and epileptic encephalopathy, 1 (DEE1). Also called: X-linked infantile spasms; West's syndrome; Tonic spasms with clustering, arrest of psychomotor development and hypsarrhythmia on EEG; X-Linked Infantile Spasm Syndrome; OHTAHARA SYNDROME, X-LINKED; INFANTILE SPASM SYNDROME, X-LINKED 1. Identifiers: MedGen C3463992, MONDO:0010632, OMIM 308350. Disease mechanism: loss of function.
Autosomal dominant nonsyndromic hearing loss 65. Also called: Deafness, autosomal dominant 65; TBC1D24-Related Autosomal Dominant Nonsyndromic Hearing Loss (DFNA). Identifiers: Orphanet 90635, MedGen C3892048, MONDO:0014470, OMIM 616044.

Submission:

Labcorp Genetics (formerly Invitae), Labcorp
Classification: Pathogenic for Developmental and epileptic encephalopathy, 1; Autosomal dominant nonsyndromic hearing loss 65. Last evaluated: 2022-06-02. Review status: criteria provided, single submitter. Criteria: Invitae Variant Classification Sherloc (09022015). Collection method: clinical testing. Allele origin: germline.
Comment: For these reasons, this variant has been classified as Pathogenic. This variant disrupts a region of the TBC1D24 protein in which other variant(s) (p.Ala515Val) have been determined to be pathogenic (PMID: 20727515, 26668325, 27281533, 31112829; Invitae). This suggests that this is a clinically significant region of the protein, and that variants that disrupt it are likely to be disease-causing. This variant has not been reported in the literature in individuals affected with TBC1D24-related conditions. This variant is not present in population databases (gnomAD no frequency). This sequence change creates a premature translational stop signal (p.Met497Cysfs*26) in the TBC1D24 gene. While this is not anticipated to result in nonsense mediated decay, it is expected to disrupt the last 63 amino acid(s) of the TBC1D24 protein.

Literature cited by the submitters: PubMed 20727515; PubMed 26668325; PubMed 27281533; PubMed 31112829.